The following is an entry in ClinVar:

NM_000553.6(WRN):c.2650C>G (p.Arg884Gly)

Gene: WRN (WRN RecQ like helicase; plus strand). Cytogenetic location: 8p12.
Variant type: single nucleotide variant.
Coding change: c.2650C>G on transcript NM_000553.6 (MANE Select); coding-DNA position 2650, C replaced by G.
Protein change: p.Arg884Gly; replaces arginine 884 with glycine.
Molecular consequence: missense variant.
Genome position (GRCh38, 1-based): chr8:31,124,541, C>G. VCF-style: chr8-31124541-C-G. GRCh37 (hg19) VCF-style: chr8-30982057-C-G.
Other names: short protein forms R884G.
Identifiers: ClinVar variation 1387596 (VCV001387596.6), dbSNP rs763297475, ClinGen allele CA370916699.
Genomic context (GRCh38, chr8:31,124,541, plus strand): 5'-AATACAGTTTTACATATTCCTGTGATGTTTTTAATCGACAGGCACCTTCTTACTGAGATA[C>G]GTAATGAGAAGTTTCGATTATACAAATTAAAGATGATGGCAAAGATGGAAAAATATCTTC-3'
Protein context (NP_000544.2, residues 874-894): NLNRHLLTEI[Arg884Gly]NEKFRLYKLK

ClinVar aggregate classification (germline): Uncertain significance (1 of 4 stars; one submission).

Conditions:
Werner syndrome (WRN). Identifiers: Orphanet 902, MedGen C0043119, MONDO:0010196, OMIM 277700.

Submission:

Labcorp Genetics (formerly Invitae), Labcorp
Classification: Uncertain significance for Werner syndrome. Last evaluated: 2021-09-30. Review status: criteria provided, single submitter. Criteria: Invitae Variant Classification Sherloc (09022015). Collection method: clinical testing. Allele origin: germline.
Comment: Algorithms developed to predict the effect of sequence changes on RNA splicing suggest that this variant may create or strengthen a splice site. Algorithms developed to predict the effect of missense changes on protein structure and function are either unavailable or do not agree on the potential impact of this missense change (SIFT: "Not Available"; PolyPhen-2: "Benign"; Align-GVGD: "Not Available"). This variant has not been reported in the literature in individuals affected with WRN-related conditions. This variant is not present in population databases (ExAC no frequency). This sequence change replaces arginine with glycine at codon 884 of the WRN protein (p.Arg884Gly). The arginine residue is weakly conserved and there is a moderate physicochemical difference between arginine and glycine. In summary, the available evidence is currently insufficient to determine the role of this variant in disease. Therefore, it has been classified as a Variant of Uncertain Significance.